The following is an entry in ClinVar:

ClinVar aggregate classification (germline): Uncertain significance (1 of 4 stars; one submission).

Conditions:
Hypertrophic cardiomyopathy. Also called: HYPERTROPHIC MYOCARDIOPATHY. Identifiers: Orphanet 217569, MedGen C0007194, MeSH D002312, MONDO:0005045, HP:0001639.

Submission:

Labcorp Genetics (formerly Invitae), Labcorp
Classification: Uncertain significance for Hypertrophic cardiomyopathy. Last evaluated: 2018-08-06. Review status: criteria provided, single submitter. Criteria: Invitae Variant Classification Sherloc (09022015). Collection method: clinical testing. Allele origin: germline.
Comment: In summary, the available evidence is currently insufficient to determine the role of this variant in disease. Therefore, it has been classified as a Variant of Uncertain Significance. This variant is found within a region of MYH7 between codons 181 and 937 that contains the majority of the myosin head domain. Missense variants in this region have been shown to be significantly overrepresented in individuals with hypertrophic cardiomyopathy (PMID: 27532257). Algorithms developed to predict the effect of sequence changes on RNA splicing suggest that this variant may create or strengthen a splice site, but this prediction has not been confirmed by published transcriptional studies. Algorithms developed to predict the effect of missense changes on protein structure and function are either unavailable or do not agree on the potential impact of this missense change (SIFT: "Deleterious"; PolyPhen-2: "Benign"; Align-GVGD: "Class C0"). This variant has not been reported in the literature in individuals with MYH7-related disease. This variant is not present in population databases (ExAC no frequency). This sequence change replaces lysine with arginine at codon 293 of the MYH7 protein (p.Lys293Arg). The lysine residue is highly conserved and there is a small physicochemical difference between lysine and arginine.

Literature cited by the submitters: PubMed 27532257.

NM_000257.4(MYH7):c.878A>G (p.Lys293Arg)

Gene: MYH7 (myosin heavy chain 7; minus strand). Cytogenetic location: 14q11.2.
Variant type: single nucleotide variant.
Coding change: c.878A>G on transcript NM_000257.4 (MANE Select); coding-DNA position 878, A replaced by G.
Protein change: p.Lys293Arg; replaces lysine 293 with arginine.
Molecular consequence: missense variant.
Genome position (GRCh38, 1-based): chr14:23,430,918, T>C on the plus strand (A>G on the coding strand, the complement: MYH7 is on the minus strand). VCF-style: chr14-23430918-T-C. GRCh37 (hg19) VCF-style: chr14-23900127-T-C.
Other names: short protein forms K293R.
Identifiers: ClinVar variation 647395 (VCV000647395.8), dbSNP rs1595088787, ClinGen allele CA389051846.